The following is an entry in ClinVar:

NM_000702.4(ATP1A2):c.2230G>A (p.Asp744Asn)

Gene: ATP1A2 (ATPase Na+/K+ transporting subunit alpha 2; plus strand). Cytogenetic location: 1q23.2.
Variant type: single nucleotide variant.
Coding change: c.2230G>A on transcript NM_000702.4 (MANE Select); coding-DNA position 2230, G replaced by A.
Protein change: p.Asp744Asn; replaces aspartic acid 744 with asparagine.
Molecular consequence: missense variant.
Genome position (GRCh38, 1-based): chr1:160,135,548, G>A. VCF-style: chr1-160135548-G-A. GRCh37 (hg19) VCF-style: chr1-160105338-G-A.
Other names: short protein forms D744N.
Identifiers: ClinVar variation 430359 (VCV000430359.12), dbSNP rs1131691922, ClinGen allele CA343249374.

ClinVar aggregate classification (germline): Uncertain significance. Review status: criteria provided, multiple submitters, no conflicts (2 of 4 stars). 2 submissions from 2 submitters: Uncertain significance (2). Last evaluated 2024-04-16.

Conditions:
Familial hemiplegic migraine. Identifiers: MedGen C0338484, MONDO:0000700.

Allele frequency attached by ClinVar (database versions not stated): gnomAD exomes below 0.00001.
gnomAD v4.1: 2 of 1,614,176 alleles (0.00012%); highest among the groups gnomAD compares: Non-Finnish European, 0.00017%; no homozygotes.

Submissions (2):

Labcorp Genetics (formerly Invitae), Labcorp
Classification: Uncertain significance for Familial hemiplegic migraine. Last evaluated: 2024-04-16. Review status: criteria provided, single submitter. Criteria: Invitae Variant Classification Sherloc (09022015). Collection method: clinical testing. Allele origin: germline.
Comment: This sequence change replaces aspartic acid, which is acidic and polar, with asparagine, which is neutral and polar, at codon 744 of the ATP1A2 protein (p.Asp744Asn). This variant is not present in population databases (gnomAD no frequency). This variant has not been reported in the literature in individuals affected with ATP1A2-related conditions. ClinVar contains an entry for this variant (Variation ID: 430359). Advanced modeling of protein sequence and biophysical properties (such as structural, functional, and spatial information, amino acid conservation, physicochemical variation, residue mobility, and thermodynamic stability) has been performed at Invitae for this missense variant, however the output from this modeling did not meet the statistical confidence thresholds required to predict the impact of this variant on ATP1A2 protein function. In summary, the available evidence is currently insufficient to determine the role of this variant in disease. Therefore, it has been classified as a Variant of Uncertain Significance.

GeneDx
Classification: Uncertain significance. Last evaluated: 2019-11-04. Review status: criteria provided, single submitter. Criteria: GeneDx Variant Classification Process June 2021. Collection method: clinical testing. Allele origin: germline. Affected: yes.
Comment: Not observed in large population cohorts (Lek et al., 2016); In silico analysis, which includes protein predictors and evolutionary conservation, supports a deleterious effect; Has not been previously published as pathogenic or benign to our knowledge